The following is an entry in ClinVar:

ClinVar aggregate classification (germline): Uncertain significance (1 of 4 stars; one submission).

gnomAD v4.1: 13 of 1,541,282 alleles (0.00084%); highest among the groups gnomAD compares: Non-Finnish European, 0.0011%; no homozygotes.

Submission:

CeGaT Center for Human Genetics Tuebingen
Classification: Uncertain significance. Last evaluated: 2026-02-01. Review status: criteria provided, single submitter. Criteria: CeGaT Center For Human Genetics Tuebingen Variant Classification Criteria Version 2. Collection method: clinical testing. Allele origin: germline. Affected: yes. Observed: 1 variant allele.
Comment: PIEZO1: PM2, BP4

NM_001142864.4(PIEZO1):c.4379G>A (p.Arg1460Lys)

Gene: PIEZO1 (piezo type mechanosensitive ion channel component 1 (Er blood group); minus strand). Cytogenetic location: 16q24.3.
Variant type: single nucleotide variant.
Coding change: c.4379G>A on transcript NM_001142864.4 (MANE Select); coding-DNA position 4379, G replaced by A.
Protein change: p.Arg1460Lys; replaces arginine 1460 with lysine.
Molecular consequence: missense variant.
Genome position (GRCh38, 1-based): chr16:88,723,285, C>T on the plus strand (G>A on the coding strand, the complement: PIEZO1 is on the minus strand). VCF-style: chr16-88723285-C-T. GRCh37 (hg19) VCF-style: chr16-88789693-C-T.
Other names: short protein forms R1460K.
Identifiers: ClinVar variation 4822067 (VCV004822067.4).